The following is an entry in ClinVar:

ClinVar aggregate classification (germline): Uncertain significance (1 of 4 stars; one submission).

Conditions:
Charcot-Marie-Tooth disease type 2. Also called: Charcot-Marie-Tooth type 2. Identifiers: Orphanet 64746, MedGen C0270914, MONDO:0018993.

Allele frequency attached by ClinVar (database versions not stated): TOPMed below 0.00001.

Submission:

Labcorp Genetics (formerly Invitae), Labcorp
Classification: Uncertain significance for Charcot-Marie-Tooth disease type 2. Last evaluated: 2022-12-08. Review status: criteria provided, single submitter. Criteria: Invitae Variant Classification Sherloc (09022015). Collection method: clinical testing. Allele origin: germline.
Comment: In summary, the available evidence is currently insufficient to determine the role of this variant in disease. Therefore, it has been classified as a Variant of Uncertain Significance. This sequence change replaces methionine, which is neutral and non-polar, with isoleucine, which is neutral and non-polar, at codon 371 of the LMNA protein (p.Met371Ile). This variant is not present in population databases (gnomAD no frequency). This variant has not been reported in the literature in individuals affected with LMNA-related conditions. Advanced modeling of protein sequence and biophysical properties (such as structural, functional, and spatial information, amino acid conservation, physicochemical variation, residue mobility, and thermodynamic stability) performed at Invitae indicates that this missense variant is expected to disrupt LMNA protein function.

NM_170707.4(LMNA):c.1113G>C (p.Met371Ile)

Gene: LMNA (lamin A/C; plus strand). Cytogenetic location: 1q22.
Variant type: single nucleotide variant.
Coding change: c.1113G>C on transcript NM_170707.4 (MANE Select); coding-DNA position 1113, G replaced by C.
Protein change: p.Met371Ile; replaces methionine 371 with isoleucine.
Molecular consequence: missense variant.
Genome position (GRCh38, 1-based): chr1:156,136,077, G>C. VCF-style: chr1-156136077-G-C. GRCh37 (hg19) VCF-style: chr1-156105868-G-C.
Other names: c.555G>C, p.Met185Ile (NM_001406996.1, NM_001406997.1, NM_001407002.1 and 4 more transcripts); c.777G>C, p.Met259Ile (NM_001406998.1, NM_001257374.3, NM_001406989.1); c.489G>C, p.Met163Ile (NM_001406999.1, NM_001407000.1, NM_001407001.1 and 1 more transcripts); c.1113G>C, p.Met371Ile (NM_005572.4, NM_170708.4, NM_001282625.2 and 6 more transcripts); c.870G>C, p.Met290Ile (NM_001282624.2, NM_001406986.1, NM_001406987.1); c.816G>C, p.Met272Ile (NM_001406988.1); short protein forms M290I, M163I, M185I, M259I, M272I, M371I.
Identifiers: ClinVar variation 2819423 (VCV002819423.3), dbSNP rs1651573477, ClinGen allele CA342820486.
Genomic context (GRCh38, chr1:156,136,077, plus strand): 5'-GATGCAGCAGCAGCTGGACGAGTACCAGGAGCTTCTGGACATCAAGCTGGCCCTGGACAT[G>C]GAGATCCACGCCTACCGCAAGCTCTTGGAGGGCGAGGAGGAGAGGTGGGCTGGGGAGACG-3'
Protein context (NP_733821.1, residues 361-381): ELLDIKLALD[Met371Ile]EIHAYRKLLE